The following is an entry in ClinVar:

NM_000025.3(ADRB3):c.893T>C (p.Met298Thr)

Gene: ADRB3 (adrenoceptor beta 3; minus strand). Cytogenetic location: 8p11.23.
Variant type: single nucleotide variant.
Coding change: c.893T>C on transcript NM_000025.3 (MANE Select); coding-DNA position 893, T replaced by C.
Protein change: p.Met298Thr; replaces methionine 298 with threonine.
Molecular consequence: missense variant.
Genome position (GRCh38, 1-based): chr8:37,965,577, A>G on the plus strand (T>C on the coding strand, the complement: ADRB3 is on the minus strand). VCF-style: chr8-37965577-A-G. GRCh37 (hg19) VCF-style: chr8-37823095-A-G.
Other names: short protein forms M298T.
Identifiers: ClinVar variation 5007303 (VCV005007303.2).

ClinVar aggregate classification (germline): Uncertain significance (1 of 4 stars; one submission).

Conditions:
Inherited obesity. Also called: Monogenic Obesity. Identifiers: Orphanet 77828, MedGen C4054476, MONDO:0019182, OMIM 601665.

Submission:

Juno Genomics, Hangzhou Juno Genomics, Inc
Classification: Uncertain significance for Inherited obesity. Review status: criteria provided, single submitter. Criteria: ACMG Guidelines, 2015. Collection method: clinical testing. Allele origin: germline.
Comment: Absent from controls (or at extremely low frequency if recessive) in Genome Aggregation Database.;Multiple lines of computational evidence support a deleterious effect on the gene or gene product.